The following is an entry in ClinVar:

NM_001903.5(CTNNA1):c.334G>A (p.Ala112Thr)

Gene: CTNNA1 (catenin alpha 1; plus strand). Cytogenetic location: 5q31.2.
Variant type: single nucleotide variant.
Coding change: c.334G>A on transcript NM_001903.5 (MANE Select); coding-DNA position 334, G replaced by A.
Protein change: p.Ala112Thr; replaces alanine 112 with threonine.
Molecular consequence: missense variant. On other transcripts: intron variant (1).
Genome position (GRCh38, 1-based): chr5:138,810,070, G>A. VCF-style: chr5-138810070-G-A. GRCh37 (hg19) VCF-style: chr5-138145759-G-A.
Other names: c.334G>A, p.Ala112Thr (NM_001323982.2, NM_001323983.1, NM_001323984.2 and 3 more transcripts); c.-5-31G>A (NM_001290310.3); c.25G>A, p.Ala9Thr (NM_001290309.3); c.334G>A (NM_001903.2); short protein forms A112T, A9T.
Identifiers: ClinVar variation 662911 (VCV000662911.12), dbSNP rs762477632, ClinGen allele CA3431424.

ClinVar aggregate classification (germline): Conflicting classifications of pathogenicity. Review status: criteria provided, conflicting classifications (1 of 4 stars). 2 submissions from 2 submitters: Uncertain significance (1); Likely benign (1). Last evaluated 2025-12-22.

Conditions:
Hereditary cancer-predisposing syndrome. Also called: Neoplastic Syndromes, Hereditary; Tumor predisposition; Hereditary neoplastic syndrome; Hereditary Cancer Syndrome. Identifiers: Orphanet 140162, MedGen C0027672, MeSH D009386, MONDO:0015356.

Allele frequency attached by ClinVar (database versions not stated): gnomAD below 0.00001 and 0.00001; TOPMed 0.00001; ExAC 0.00003; gnomAD exomes 0.00003.
gnomAD v4.1: 31 of 1,613,162 alleles (0.0019%); highest among the groups gnomAD compares: South Asian, 0.022%; 1 homozygote.

Submissions (2):

Labcorp Genetics (formerly Invitae), Labcorp
Classification: Uncertain significance. Last evaluated: 2025-12-22. Review status: criteria provided, single submitter. Criteria: Invitae Variant Classification Sherloc (09022015). Collection method: clinical testing. Allele origin: germline.
Comment: This sequence change replaces alanine, which is neutral and non-polar, with threonine, which is neutral and polar, at codon 112 of the CTNNA1 protein (p.Ala112Thr). This variant is present in population databases (rs762477632, gnomAD 0.02%). This missense change has been observed in individual(s) with clinical features of CTNNA1-related conditions (PMID: 32051609). ClinVar contains an entry for this variant (Variation ID: 662911). Invitae Evidence Modeling of protein sequence and biophysical properties (such as structural, functional, and spatial information, amino acid conservation, physicochemical variation, residue mobility, and thermodynamic stability) indicates that this missense variant is not expected to disrupt CTNNA1 protein function with a negative predictive value of 80%. In summary, the available evidence is currently insufficient to determine the role of this variant in disease. Therefore, it has been classified as a Variant of Uncertain Significance.

Ambry Genetics
Classification: Likely benign for Hereditary cancer-predisposing syndrome. Last evaluated: 2023-01-27. Review status: criteria provided, single submitter. Criteria: Ambry Variant Classification Scheme 2023. Collection method: clinical testing. Allele origin: germline.

Literature cited by the submitters: PubMed 32051609 (cited by Labcorp Genetics (formerly Invitae), Labcorp).